The following is an entry in ClinVar:

ClinVar aggregate classification (germline): Conflicting classifications of pathogenicity. Review status: criteria provided, conflicting classifications (1 of 4 stars). 8 submissions from 7 submitters: Uncertain significance (3); Likely benign (5). Last evaluated 2026-08-11.

Conditions:
Hypercholesterolemia, autosomal dominant, 3 (FHCL3). Also called: Familial Hypercholesterolemia, Autosomal Dominant, 3; PCSK9-Related Familial Hypercholesterolemia, Autosomal Dominant; Familial hypercholesterolemia 3. Identifiers: MedGen C1863551, MONDO:0011369, OMIM 603776.
Hypobetalipoproteinemia. Identifiers: Orphanet 31154, MedGen C0020597, MONDO:0017774.
Familial hypercholesterolemia. Also called: Familial hypercholesterolaemia; Familial hypercholesterolemias. Identifiers: MedGen C0020445, MONDO:0005439.

Allele frequency attached by ClinVar (database versions not stated): ExAC 0.00003; gnomAD exomes 0.00004; TOPMed 0.00004; gnomAD 0.00006.
gnomAD v4.1: 46 of 1,612,604 alleles (0.0029%); highest among the groups gnomAD compares: Admixed American, 0.013%; no homozygotes.

Submissions (8):

Cambridge Genomics Laboratory, East Genomic Laboratory Hub, NHS Genomic Medicine Service
Classification: Uncertain significance for Familial hypercholesterolaemia. Last evaluated: 2026-08-11. Review status: criteria provided, single submitter. Criteria: ACGS Best Practice Guidelines for Variant Classification in Rare Disease 2020. Collection method: clinical testing. Allele origin: germline. Affected: yes.

Labcorp Genetics (formerly Invitae), Labcorp
Classification: Likely benign for Hypercholesterolemia, autosomal dominant, 3. Last evaluated: 2025-08-24. Review status: criteria provided, single submitter. Criteria: Invitae Variant Classification Sherloc (09022015). Collection method: clinical testing. Allele origin: germline.

Quest Diagnostics Nichols Institute San Juan Capistrano
Classification: Likely benign. Last evaluated: 2025-04-22. Review status: criteria provided, single submitter. Criteria: Quest Diagnostics criteria. Collection method: clinical testing. Allele origin: unknown.

Women's Health and Genetics/Laboratory Corporation of America, LabCorp
Classification: Likely benign. Last evaluated: 2025-01-09. Review status: criteria provided, single submitter. Criteria: LabCorp Variant Classification Summary - May 2015. Collection method: clinical testing. Allele origin: germline.
Comment: Variant summary: PCSK9 c.658-9G>A alters a non-conserved nucleotide located at a position not widely known to affect splicing. Consensus agreement among computation tools predict no significant impact on normal splicing. However, these predictions have yet to be confirmed by functional studies. The variant allele was found at a frequency of 3.6e-05 in 248878 control chromosomes. The available data on variant occurrences in the general population are insufficient to allow any conclusion about variant significance. To our knowledge, no occurrence of c.658-9G>A in individuals affected with Familial Hypercholesterolemia and no experimental evidence demonstrating its impact on protein function have been reported. ClinVar contains an entry for this variant (Variation ID: 496564). Based on the evidence outlined above, the variant was classified as likely benign.

All of Us Research Program, National Institutes of Health
Classification: Likely benign for Hypercholesterolemia, autosomal dominant, 3. Last evaluated: 2023-12-13. Review status: criteria provided, single submitter. Criteria: ACMG Guidelines, 2015. Collection method: clinical testing. Allele origin: germline. Inheritance: Autosomal dominant inheritance. Observed: 22 variant alleles, 22 heterozygotes.
Comment: This study involves interpretation of variants in research participants for the purpose of population health screening. Participant phenotype was not available at the time of variant classification. Additional details can be found in publication PMID: 35346344, PMCID: PMC8962531

Color Diagnostics, LLC DBA Color Health
Classification: Likely benign for Familial hypercholesterolemia. Last evaluated: 2019-02-25. Review status: criteria provided, single submitter. Criteria: ACMG Guidelines, 2015. Collection method: clinical testing. Allele origin: germline.

Illumina Laboratory Services, Illumina
Classification: Uncertain significance for Hypobetalipoproteinemia. Last evaluated: 2018-01-12. Review status: criteria provided, single submitter. Criteria: ICSL Variant Classification Criteria 13 December 2019. Collection method: clinical testing. Allele origin: germline.

Illumina Laboratory Services, Illumina
Classification: Uncertain significance for Hypercholesterolemia, autosomal dominant, 3. Last evaluated: 2018-01-12. Review status: criteria provided, single submitter. Criteria: ICSL Variant Classification Criteria 13 December 2019. Collection method: clinical testing. Allele origin: germline.

NM_174936.4(PCSK9):c.658-9G>A

Gene: PCSK9 (proprotein convertase subtilisin/kexin type 9; plus strand). Cytogenetic location: 1p32.3.
Variant type: single nucleotide variant.
Coding change: c.658-9G>A on transcript NM_174936.4 (MANE Select); 9 bases into the intron before coding-DNA position 658, G replaced by A.
Molecular consequence: intron variant.
Genome position (GRCh38, 1-based): chr1:55,052,641, G>A. VCF-style: chr1-55052641-G-A. GRCh37 (hg19) VCF-style: chr1-55518314-G-A.
Identifiers: ClinVar variation 496564 (VCV000496564.21), dbSNP rs757194881, ClinGen allele CA043933.